The following is an entry in ClinVar:

NM_004667.6(HERC2):c.11381G>A (p.Arg3794Lys)

Gene: HERC2 (HECT and RLD domain containing E3 ubiquitin protein ligase 2; minus strand). Cytogenetic location: 15q13.1.
Variant type: single nucleotide variant.
Coding change: c.11381G>A on transcript NM_004667.6 (MANE Select); coding-DNA position 11381, G replaced by A.
Protein change: p.Arg3794Lys; replaces arginine 3794 with lysine.
Molecular consequence: missense variant.
Genome position (GRCh38, 1-based): chr15:28,143,910, C>T on the plus strand (G>A on the coding strand, the complement: HERC2 is on the minus strand). VCF-style: chr15-28143910-C-T. GRCh37 (hg19) VCF-style: chr15-28389056-C-T.
Other names: c.11381G>A (NM_004667.4); short protein forms R3794K.
Identifiers: ClinVar variation 1187130 (VCV001187130.6), dbSNP rs142880342, ClinGen allele CA7440577.

ClinVar aggregate classification (germline): Conflicting classifications of pathogenicity. Review status: criteria provided, conflicting classifications (1 of 4 stars). 3 submissions from 3 submitters: Uncertain significance (1); Likely benign (1). 1 of the submissions does not count toward it. Last evaluated 2025-08-12.

Conditions:
HERC2-related disorder. Also called: HERC2-related condition.
Inborn genetic diseases. Identifiers: MedGen C0950123, MeSH D030342.

Allele frequency attached by ClinVar (database versions not stated): gnomAD exomes 0.00031; ExAC 0.00044; ESP Exome Variant Server 0.00092; gnomAD 0.00119 and 0.00120; TOPMed 0.00126; 1000 Genomes Project 30x 0.00344; 1000 Genomes Project 0.00359.
gnomAD v4.1: 345 of 1,614,114 alleles (0.021%); highest among the groups gnomAD compares: African/African-American, 0.41%; 1 homozygote.

Submissions (3):

Ambry Genetics
Classification: Likely benign for Inborn genetic diseases. Last evaluated: 2025-08-12. Review status: criteria provided, single submitter. Criteria: Ambry Variant Classification Scheme 2023. Collection method: clinical testing. Allele origin: germline.

GeneDx
Classification: Uncertain significance. Last evaluated: 2024-09-25. Review status: criteria provided, single submitter. Criteria: GeneDx Variant Classification Process June 2021. Collection method: clinical testing. Allele origin: germline. Affected: yes.
Comment: In silico analysis supports that this missense variant does not alter protein structure/function; Has not been previously published as pathogenic or benign to our knowledge

PreventionGenetics, part of Exact Sciences
Classification: Likely benign for HERC2-related condition. Last evaluated: 2024-08-26. Review status: no assertion criteria provided. Collection method: clinical testing. Allele origin: germline. Not counted in ClinVar's aggregate classification.
Comment: This variant is classified as likely benign based on ACMG/AMP sequence variant interpretation guidelines (Richards et al. 2015 PMID: 25741868, with internal and published modifications).